The following is an entry in ClinVar:

ClinVar aggregate classification (germline): Pathogenic (1 of 4 stars; one submission).

Submission:

Labcorp Genetics (formerly Invitae), Labcorp
Classification: Pathogenic. Last evaluated: 2020-08-01. Review status: criteria provided, single submitter. Criteria: Invitae Variant Classification Sherloc (09022015). Collection method: clinical testing. Allele origin: germline.
Comment: This variant is an out-of-frame deletion of the genomic region encompassing exon 10 of the EYS gene. This is expected to create a premature translational stop signal and result in an absent or disrupted protein product. This variant has not been reported in the literature in individuals with EYS-related conditions. Loss-of-function variants in EYS are known to be pathogenic (PMID: 18836446, 20333770). For these reasons, this variant has been classified as Pathogenic.

Literature cited by the submitters: PubMed 18836446; PubMed 20333770.

NC_000006.11:g.(?_66053931)_(66054070_?)del

Gene: EYS (eyes shut homolog; minus strand). Cytogenetic location: 6q12.
Variant type: Deletion.
Identifiers: ClinVar variation 1072819 (VCV001072819.1).